The following is an entry in ClinVar:

ClinVar aggregate classification (germline): Uncertain significance. Review status: criteria provided, multiple submitters, no conflicts (2 of 4 stars). 3 submissions from 3 submitters: Uncertain significance (2). 1 of the submissions does not count toward it. Last evaluated 2025-01-02.

Conditions:
Muscle eye brain disease (MEB). Also called: Santavuori congenital muscular dystrophy. Identifiers: Orphanet 588, Orphanet 899, MedGen C0457133, MONDO:0018939.
Inborn genetic diseases. Identifiers: MedGen C0950123, MeSH D030342.
Autosomal recessive limb-girdle muscular dystrophy type 2O. Also called: Limb-Girdle Muscular Dystrophy Type 3C; MUSCULAR DYSTROPHY-DYSTROGLYCANOPATHY (LIMB-GIRDLE), TYPE C, 3; MUSCULAR DYSTROPHY-DYSTROGLYCANOPATHY, LIMB-GIRDLE, POMGNT1-RELATED. Identifiers: Orphanet 206564, MedGen C3150417, MONDO:0013161, OMIM 613157.
Muscular dystrophy-dystroglycanopathy (congenital with impaired intellectual development), type B, 3. Also called: MUSCULAR DYSTROPHY, CONGENITAL, POMGNT1-RELATED; Muscular dystrophy-dystroglycanopathy (congenital with intellectual disability), type B3. Identifiers: MedGen C3150412, MONDO:0013155, OMIM 613151.

Allele frequency attached by ClinVar (database versions not stated): gnomAD exomes 0.00001; gnomAD 0.00006; TOPMed 0.00006; ExAC 0.00002; ESP Exome Variant Server 0.00008.
gnomAD v4.1: 16 of 1,614,170 alleles (0.00099%); highest among the groups gnomAD compares: Middle Eastern, 0.016%; no homozygotes.

Submissions (3):

Ambry Genetics
Classification: Uncertain significance for Inborn genetic diseases. Last evaluated: 2025-01-02. Review status: criteria provided, single submitter. Criteria: Ambry Variant Classification Scheme 2023. Collection method: clinical testing. Allele origin: germline.

Labcorp Genetics (formerly Invitae), Labcorp
Classification: Uncertain significance for Autosomal recessive limb-girdle muscular dystrophy type 2O; Muscular dystrophy-dystroglycanopathy (congenital with impaired intellectual development), type B, 3. Last evaluated: 2022-08-05. Review status: criteria provided, single submitter. Criteria: Invitae Variant Classification Sherloc (09022015). Collection method: clinical testing. Allele origin: germline.
Comment: This sequence change replaces arginine, which is basic and polar, with glutamine, which is neutral and polar, at codon 63 of the POMGNT1 protein (p.Arg63Gln). The frequency data for this variant in the population databases is considered unreliable, as metrics indicate poor data quality at this position in the gnomAD database. This variant has not been reported in the literature in individuals affected with POMGNT1-related conditions. ClinVar contains an entry for this variant (Variation ID: 1006193). Advanced modeling of protein sequence and biophysical properties (such as structural, functional, and spatial information, amino acid conservation, physicochemical variation, residue mobility, and thermodynamic stability) performed at Invitae indicates that this missense variant is not expected to disrupt POMGNT1 protein function. In summary, the available evidence is currently insufficient to determine the role of this variant in disease. Therefore, it has been classified as a Variant of Uncertain Significance.

Natera, Inc.
Classification: Uncertain significance for Muscle-eye-brain disease. Last evaluated: 2019-12-30. Review status: no assertion criteria provided. Collection method: clinical testing. Allele origin: germline. Not counted in ClinVar's aggregate classification.

NM_017739.4(POMGNT1):c.188G>A (p.Arg63Gln)

Gene: POMGNT1 (protein O-linked mannose N-acetylglucosaminyltransferase 1 (beta 1,2-); minus strand). Cytogenetic location: 1p34.1.
Variant type: single nucleotide variant.
Coding change: c.188G>A on transcript NM_017739.4 (MANE Select); coding-DNA position 188, G replaced by A.
Protein change: p.Arg63Gln; replaces arginine 63 with glutamine.
Molecular consequence: missense variant. On other transcripts: 5 prime UTR variant (1).
Genome position (GRCh38, 1-based): chr1:46,197,017, C>T on the plus strand (G>A on the coding strand, the complement: POMGNT1 is on the minus strand). VCF-style: chr1-46197017-C-T. GRCh37 (hg19) VCF-style: chr1-46662689-C-T.
Other names: c.188G>A, p.Arg63Gln (NM_001243766.2, NM_001410783.1); c.122G>A, p.Arg41Gln (NM_001290129.3); c.-242G>A (NM_001290130.2); c.188G>A (NM_017739.3); short protein forms R41Q, R63Q.
Identifiers: ClinVar variation 1006193 (VCV001006193.6), dbSNP rs141421141, ClinGen allele CA833832.